The following is an entry in ClinVar:

ClinVar aggregate classification (germline): Likely benign. Review status: criteria provided, single submitter (1 of 4 stars). 2 submissions from 2 submitters: Likely benign (1). 1 of the submissions does not count toward it. Last evaluated 2016-08-19.

Conditions:
B4GALT1-related disorder. Also called: B4GALT1-related condition.

gnomAD v4.1: 48 of 1,604,566 alleles (0.003%); highest among the groups gnomAD compares: Non-Finnish European, 0.0039%; no homozygotes.

Submissions (2):

GeneDx
Classification: Likely benign. Last evaluated: 2016-08-19. Review status: criteria provided, single submitter. Criteria: GeneDx Variant Classification (06012015). Collection method: clinical testing. Allele origin: germline. Affected: yes.
Comment: This variant is considered likely benign or benign based on one or more of the following criteria: it is a conservative change, it occurs at a poorly conserved position in the protein, it is predicted to be benign by multiple in silico algorithms, and/or has population frequency not consistent with disease.

PreventionGenetics, part of Exact Sciences
Classification: Likely benign for B4GALT1-related condition. Last evaluated: 2019-10-21. Review status: no assertion criteria provided. Collection method: clinical testing. Allele origin: germline. Not counted in ClinVar's aggregate classification.
Comment: This variant is classified as likely benign based on ACMG/AMP sequence variant interpretation guidelines (Richards et al. 2015 PMID: 25741868, with internal and published modifications).

NM_001497.4(B4GALT1):c.84C>T (p.Ala28=)

Genes: B4GALT1-AS1 (B4GALT1 antisense RNA 1; plus strand), B4GALT1 (beta-1,4-galactosyltransferase 1; minus strand). Cytogenetic location: 9p21.1.
Variant type: single nucleotide variant.
Coding change: c.84C>T on transcript NM_001497.4 (MANE Select); coding-DNA position 84, C replaced by T.
Protein change: p.Ala28=; no amino-acid change (alanine 28 retained).
Molecular consequence: synonymous variant.
Genome position (GRCh38, 1-based): chr9:33,167,086, G>A on the plus strand (C>T on the coding strand, the complement: B4GALT1 is on the minus strand). VCF-style: chr9-33167086-G-A. GRCh37 (hg19) VCF-style: chr9-33167084-G-A.
Other names: c.45C>T, p.Ala15= (NM_001378495.1); c.84C>T, p.Ala28= (NM_001378496.1, NM_001378497.1).
Identifiers: ClinVar variation 388727 (VCV000388727.3), dbSNP rs749157379, ClinGen allele CA5023844.